The following is an entry in ClinVar:

NM_005353.3(ITGAD):c.2925C>T (p.Asn975=)

Gene: ITGAD (integrin subunit alpha D; plus strand). Cytogenetic location: 16p11.2.
Variant type: single nucleotide variant.
Coding change: c.2925C>T on transcript NM_005353.3 (MANE Select); coding-DNA position 2925, C replaced by T.
Protein change: p.Asn975=; no amino-acid change (asparagine 975 retained).
Molecular consequence: synonymous variant.
Genome position (GRCh38, 1-based): chr16:31,423,417, C>T. VCF-style: chr16-31423417-C-T. GRCh37 (hg19) VCF-style: chr16-31434738-C-T.
Other names: c.2928C>T, p.Asn976= (NM_001318185.2).
Identifiers: ClinVar variation 2646479 (VCV002646479.24), dbSNP rs140899350, ClinGen allele CA8028796.

ClinVar aggregate classification (germline): Likely benign (1 of 4 stars; one submission).

Allele frequency attached by ClinVar (database versions not stated): 1000 Genomes Project 0.00140; 1000 Genomes Project 30x 0.00187; TOPMed 0.00204; ESP Exome Variant Server 0.00269; gnomAD 0.00305; ExAC 0.00317.

Submission:

CeGaT Center for Human Genetics Tuebingen
Classification: Likely benign. Last evaluated: 2022-10-01. Review status: criteria provided, single submitter. Criteria: CeGaT Center For Human Genetics Tuebingen Variant Classification Criteria Version 2. Collection method: clinical testing. Allele origin: germline. Affected: yes. Observed: 1 variant allele.
Comment: ITGAD: BP4, BP7